The following is an entry in ClinVar:

NM_001395413.1(POR):c.967T>C (p.Tyr323His)

Genes: POR (cytochrome p450 oxidoreductase; plus strand), LOC126860075 (CDK7 strongly-dependent group 2 enhancer GRCh37_chr7:75612087-75613286; plus strand). Cytogenetic location: 7q11.23.
Variant type: single nucleotide variant.
Coding change: c.967T>C on transcript NM_001395413.1 (MANE Select); coding-DNA position 967, T replaced by C.
Protein change: p.Tyr323His; replaces tyrosine 323 with histidine.
Molecular consequence: missense variant.
Genome position (GRCh38, 1-based): chr7:75,983,766, T>C. VCF-style: chr7-75983766-T-C. GRCh37 (hg19) VCF-style: chr7-75613084-T-C.
Other names: c.976T>C, p.Tyr326His (NM_000941.3); c.967T>C, p.Tyr323His (NM_001367562.3, NM_001382657.2, NM_001382658.3 and 2 more transcripts); c.1021T>C, p.Tyr341His (NM_001382655.3); short protein forms Y326H, Y323H, Y341H.
Identifiers: ClinVar variation 1199396 (VCV001199396.5), dbSNP rs782419727, ClinGen allele CA4303932.

ClinVar aggregate classification (germline): Uncertain significance. Review status: criteria provided, multiple submitters, no conflicts (2 of 4 stars). 3 submissions from 3 submitters: Uncertain significance (2). 1 of the submissions does not count toward it. Last evaluated 2022-06-17.

Conditions:
Congenital adrenal hyperplasia due to cytochrome P450 oxidoreductase deficiency. Also called: DISORDERED STEROIDOGENESIS DUE TO POR DEFICIENCY. Identifiers: Orphanet 95699, MedGen C1860042, MONDO:0013310, OMIM 613571.
Disorder of sexual differentiation. Also called: Difference of sexual differentiation; Disorder of sex development. Identifiers: Orphanet 90771, MedGen C2930619, MONDO:0002145.

Allele frequency attached by ClinVar (database versions not stated): gnomAD 0.00001; ExAC 0.00002; TOPMed 0.00003; gnomAD exomes 0.00004.
gnomAD v4.1: 21 of 1,612,338 alleles (0.0013%); highest among the groups gnomAD compares: Middle Eastern, 0.016%; no homozygotes.

Submissions (3):

Labcorp Genetics (formerly Invitae), Labcorp
Classification: Uncertain significance for Congenital adrenal hyperplasia due to cytochrome P450 oxidoreductase deficiency. Last evaluated: 2022-06-17. Review status: criteria provided, single submitter. Criteria: Invitae Variant Classification Sherloc (09022015). Collection method: clinical testing. Allele origin: germline.
Comment: This sequence change replaces tyrosine, which is neutral and polar, with histidine, which is basic and polar, at codon 326 of the POR protein (p.Tyr326His). This variant is present in population databases (rs782419727, gnomAD 0.01%). This variant has not been reported in the literature in individuals affected with POR-related conditions. ClinVar contains an entry for this variant (Variation ID: 1199396). Algorithms developed to predict the effect of missense changes on protein structure and function (SIFT, PolyPhen-2, Align-GVGD) all suggest that this variant is likely to be disruptive. In summary, the available evidence is currently insufficient to determine the role of this variant in disease. Therefore, it has been classified as a Variant of Uncertain Significance.

Breakthrough Genomics
Classification: Uncertain significance. Review status: criteria provided, single submitter. Criteria: ACMG Guidelines, 2015. Collection method: not provided. Allele origin: germline. Inheritance: Autosomal recessive inheritance. Affected: yes.

Human Developmental Genetics, Institut Pasteur
Classification: Uncertain significance for Disorder of sexual differentiation. Last evaluated: 2021-08-16. Review status: no assertion criteria provided. Collection method: research. Allele origin: unknown. Inheritance: Autosomal dominant inheritance. Affected: yes. Observed: 1 variant allele, 1 heterozygote. Not counted in ClinVar's aggregate classification.